The following is an entry in ClinVar:

ClinVar aggregate classification (germline): Uncertain significance. Review status: criteria provided, multiple submitters, no conflicts (2 of 4 stars). 2 submissions from 2 submitters: Uncertain significance (2). Last evaluated 2024-11-03.

Allele frequency attached by ClinVar (database versions not stated): gnomAD exomes 0.00009 and 0.00013; TOPMed 0.00012; ExAC 0.00013; gnomAD 0.00007 and 0.00008; ESP Exome Variant Server 0.00015.
gnomAD v4.1: 148 of 1,614,020 alleles (0.0092%); highest among the groups gnomAD compares: Middle Eastern, 0.15%; 1 homozygote.

Submissions (2):

Labcorp Genetics (formerly Invitae), Labcorp
Classification: Uncertain significance. Last evaluated: 2024-11-03. Review status: criteria provided, single submitter. Criteria: Invitae Variant Classification Sherloc (09022015). Collection method: clinical testing. Allele origin: germline.
Comment: This sequence change replaces aspartic acid, which is acidic and polar, with valine, which is neutral and non-polar, at codon 1556 of the DNAH9 protein (p.Asp1556Val). This variant is present in population databases (rs372509153, gnomAD 0.05%). This missense change has been observed in individual(s) with personal and family history of leukemia (PMID: 32098966). ClinVar contains an entry for this variant (Variation ID: 1505372). Invitae Evidence Modeling of protein sequence and biophysical properties (such as structural, functional, and spatial information, amino acid conservation, physicochemical variation, residue mobility, and thermodynamic stability) indicates that this missense variant is expected to disrupt DNAH9 protein function with a positive predictive value of 80%. In summary, the available evidence is currently insufficient to determine the role of this variant in disease. Therefore, it has been classified as a Variant of Uncertain Significance.

Breakthrough Genomics
Classification: Uncertain significance. Review status: criteria provided, single submitter. Criteria: ACMG Guidelines, 2015. Collection method: not provided. Allele origin: germline. Inheritance: Autosomal recessive inheritance. Affected: yes.

Literature cited by the submitters: PubMed 32098966 (cited by Labcorp Genetics (formerly Invitae), Labcorp).

NM_001372.4(DNAH9):c.4667A>T (p.Asp1556Val)

Gene: DNAH9 (dynein axonemal heavy chain 9; plus strand). Cytogenetic location: 17p12.
Variant type: single nucleotide variant.
Coding change: c.4667A>T on transcript NM_001372.4 (MANE Select); coding-DNA position 4667, A replaced by T.
Protein change: p.Asp1556Val; replaces aspartic acid 1556 with valine.
Molecular consequence: missense variant.
Genome position (GRCh38, 1-based): chr17:11,693,920, A>T. VCF-style: chr17-11693920-A-T. GRCh37 (hg19) VCF-style: chr17-11597237-A-T.
Other names: short protein forms D1556V.
Identifiers: ClinVar variation 1505372 (VCV001505372.9), dbSNP rs372509153, ClinGen allele CA8395734.